The following is an entry in ClinVar:

NM_001089.3(ABCA3):c.4454del (p.Gly1485fs)

Gene: ABCA3 (ATP binding cassette subfamily A member 3; minus strand). Cytogenetic location: 16p13.3.
Variant type: Deletion.
Coding change: c.4454del on transcript NM_001089.3 (MANE Select); coding-DNA position 4454, one base deleted (G; older notation c.4454delG).
Protein change: p.Gly1485fs; shifts the reading frame from glycine 1485.
Molecular consequence: frameshift variant.
Genome position (GRCh38, 1-based): chr16:2,279,036, C deleted on the plus strand (G on the coding strand, the reverse complement: ABCA3 is on the minus strand); the first of 4 consecutive C bases (chr16:2,279,036-2,279,039); deleting any one gives the same sequence. VCF-style (leftmost placement, unchanged base first): chr16-2279035-GC-G. GRCh37 (hg19) VCF-style: chr16-2329036-GC-G.
Other names: short protein forms G1485fs.
Identifiers: ClinVar variation 3668941 (VCV003668941.2).
Genomic context (GRCh38, chr16:2,279,035, plus strand): 5'-CTCCAGCAGCAGGCCCCGCAGAGTGTTCTCCACGCAGGCCCCGATGTGGCGCTCAGGGAT[GC>G]CCCGGAGCCGAGCGTACATGACCAGCATCTCCCGGCCTGTCATGTGGTCCAGCAAGGCAT-3'

ClinVar aggregate classification (germline): Pathogenic (1 of 4 stars; one submission).

Submission:

Labcorp Genetics (formerly Invitae), Labcorp
Classification: Pathogenic. Last evaluated: 2024-05-23. Review status: criteria provided, single submitter. Criteria: Invitae Variant Classification Sherloc (09022015). Collection method: clinical testing. Allele origin: germline.
Comment: This sequence change creates a premature translational stop signal (p.Gly1485Alafs*39) in the ABCA3 gene. It is expected to result in an absent or disrupted protein product. Loss-of-function variants in ABCA3 are known to be pathogenic (PMID: 27516224). This variant is not present in population databases (gnomAD no frequency). This variant has not been reported in the literature in individuals affected with ABCA3-related conditions. For these reasons, this variant has been classified as Pathogenic.

Literature cited by the submitters: PubMed 27516224.